The following is an entry in ClinVar:

ClinVar aggregate classification (germline): Uncertain significance. Review status: criteria provided, multiple submitters, no conflicts (2 of 4 stars). 2 submissions from 2 submitters: Uncertain significance (2). Last evaluated 2025-08-23.

Conditions:
Inborn genetic diseases. Identifiers: MedGen C0950123, MeSH D030342.

Submissions (2):

Ambry Genetics
Classification: Uncertain significance for Inborn genetic diseases. Last evaluated: 2025-08-23. Review status: criteria provided, single submitter. Criteria: Ambry Variant Classification Scheme 2023. Collection method: clinical testing. Allele origin: germline.

Women's Health and Genetics/Laboratory Corporation of America, LabCorp
Classification: Uncertain significance. Last evaluated: 2025-07-07. Review status: criteria provided, single submitter. Criteria: LabCorp Variant Classification Summary - May 2015. Collection method: clinical testing. Allele origin: germline.
Comment: Variant summary: RBM10 c.1729A>C (p.Thr577Pro) results in a non-conservative amino acid change in the encoded protein sequence. Algorithms developed to predict the effect of missense changes on protein structure and function are either unavailable or do not agree on the potential impact of this missense change. The variant was absent in 183303 control chromosomes. The available data on variant occurrences in the general population are insufficient to allow any conclusion about variant significance. To our knowledge, no occurrence of c.1729A>C in individuals affected with TARP Syndrome and no experimental evidence demonstrating its impact on protein function have been reported. No submitters have cited clinical-significance assessments for this variant to ClinVar. Based on the evidence outlined above, the variant was classified as uncertain significance.

NM_005676.5(RBM10):c.1729A>C (p.Thr577Pro)

Gene: RBM10 (RNA binding motif protein 10; plus strand). Cytogenetic location: Xp11.3.
Variant type: single nucleotide variant.
Coding change: c.1729A>C on transcript NM_005676.5 (MANE Select); coding-DNA position 1729, A replaced by C.
Protein change: p.Thr577Pro; replaces threonine 577 with proline.
Molecular consequence: missense variant.
Genome position (GRCh38, 1-based): chrX:47,181,986, A>C. VCF-style: chrX-47181986-A-C. GRCh37 (hg19) VCF-style: chrX-47041385-A-C.
Other names: c.1729A>C (NM_005676.4); c.1498A>C, p.Thr500Pro (NM_001204466.2); c.1726A>C, p.Thr576Pro (NM_001204467.2); c.1924A>C, p.Thr642Pro (NM_001204468.2); c.1495A>C, p.Thr499Pro (NM_152856.3); short protein forms T499P, T500P, T576P, T577P, T642P.
Identifiers: ClinVar variation 3911975 (VCV003911975.3).
Genomic context (GRCh38, chrX:47,181,986, plus strand): 5'-TGACCCCGTTCCCCTCACCCCCTAGCTGTTCCCGACGTCTCTACCTACCAGTACGATGAG[A>C]CCTCCGGCTACTACTATGACCCCCAGACCGGCCTCTACTATGACCCCAACTCCCAGGTAA-3'
Protein context (NP_005667.2, residues 567-587): PDVSTYQYDE[Thr577Pro]SGYYYDPQTG